The following is an entry in ClinVar:

NM_001136018.4(EPHX1):c.1314G>A (p.Pro438=)

Genes: EPHX1 (epoxide hydrolase 1; plus strand), TMEM63A (transmembrane protein 63A; minus strand). Cytogenetic location: 1q42.12.
Variant type: single nucleotide variant.
Coding change: c.1314G>A on transcript NM_001136018.4 (MANE Select); coding-DNA position 1314, G replaced by A.
Protein change: p.Pro438=; no amino-acid change (proline 438 retained).
Molecular consequence: synonymous variant. On other transcripts: non-coding transcript variant (4).
Genome position (GRCh38, 1-based): chr1:225,845,293, G>A. VCF-style: chr1-225845293-G-A. GRCh37 (hg19) VCF-style: chr1-226032994-G-A.
Other names: c.1314G>A, p.Pro438= (NM_000120.4, NM_001291163.2, NM_001378426.1 and 1 more transcripts); c.1287G>A, p.Pro429= (NM_001378428.1); c.1266G>A, p.Pro422= (NM_001378429.1, NM_001378430.1); c.1086G>A, p.Pro362= (NM_001378431.1); c.747G>A, p.Pro249= (NM_001378432.1).
Identifiers: ClinVar variation 721093 (VCV000721093.5), dbSNP rs45464298, ClinGen allele CA1418719.

ClinVar aggregate classification (germline): Benign/Likely benign. Review status: criteria provided, multiple submitters, no conflicts (2 of 4 stars). 3 submissions from 3 submitters: Benign (2); Likely benign (1). Last evaluated 2026-05-03.

Conditions:
EPHX1-related disorder. Also called: EPHX1-related condition.

Allele frequency attached by ClinVar (database versions not stated): gnomAD exomes 0.00012 and 0.00027; ExAC 0.00033; 1000 Genomes Project 30x 0.00094; gnomAD 0.00096 and 0.00105; 1000 Genomes Project 0.00100; TOPMed 0.00105; ESP Exome Variant Server 0.00108.
gnomAD v4.1: 333 of 1,612,726 alleles (0.021%); highest among the groups gnomAD compares: African/African-American, 0.35%; 1 homozygote.

Submissions (3):

PreventionGenetics, part of Exact Sciences
Classification: Likely benign for EPHX1-related condition. Last evaluated: 2026-05-03. Review status: criteria provided, single submitter. Criteria: ACMG Guidelines, 2015. Collection method: clinical testing. Allele origin: germline.
Comment: This variant is classified as likely benign based on ACMG/AMP sequence variant interpretation guidelines (Richards et al. 2015 PMID: 25741868, with internal and published modifications).

Labcorp Genetics (formerly Invitae), Labcorp
Classification: Benign. Last evaluated: 2018-03-29. Review status: criteria provided, single submitter. Criteria: Invitae Variant Classification Sherloc (09022015). Collection method: clinical testing. Allele origin: germline.

Breakthrough Genomics
Classification: Benign. Review status: criteria provided, single submitter. Criteria: ACMG Guidelines, 2015. Collection method: not provided. Allele origin: germline. Inheritance: Unknown mechanism. Affected: yes.